The following is an entry in ClinVar:

NM_001365999.1(SZT2):c.6040G>A (p.Ala2014Thr)

Gene: SZT2 (SZT2 subunit of KICSTOR complex; plus strand). Cytogenetic location: 1p34.2.
Variant type: single nucleotide variant.
Coding change: c.6040G>A on transcript NM_001365999.1 (MANE Select); coding-DNA position 6040, G replaced by A.
Protein change: p.Ala2014Thr; replaces alanine 2014 with threonine.
Molecular consequence: missense variant.
Genome position (GRCh38, 1-based): chr1:43,437,176, G>A. VCF-style: chr1-43437176-G-A. GRCh37 (hg19) VCF-style: chr1-43902847-G-A.
Other names: c.5869G>A, p.Ala1957Thr (NM_015284.4); short protein forms A1957T, A2014T.
Identifiers: ClinVar variation 1431166 (VCV001431166.6), dbSNP rs1487579807, ClinGen allele CA340027923.

ClinVar aggregate classification (germline): Uncertain significance (1 of 4 stars; one submission).

Allele frequency attached by ClinVar (database versions not stated): TOPMed below 0.00001; gnomAD 0.00001.
gnomAD v4.1: 2 of 1,614,038 alleles (0.00012%); highest among the groups gnomAD compares: African/African-American, 0.0013%; no homozygotes.

Submission:

Labcorp Genetics (formerly Invitae), Labcorp
Classification: Uncertain significance. Last evaluated: 2021-10-10. Review status: criteria provided, single submitter. Criteria: Invitae Variant Classification Sherloc (09022015). Collection method: clinical testing. Allele origin: germline.
Comment: This sequence change replaces alanine with threonine at codon 1957 of the SZT2 protein (p.Ala1957Thr). The alanine residue is highly conserved and there is a small physicochemical difference between alanine and threonine. In summary, the available evidence is currently insufficient to determine the role of this variant in disease. Therefore, it has been classified as a Variant of Uncertain Significance. Algorithms developed to predict the effect of missense changes on protein structure and function output the following: SIFT: "Tolerated"; PolyPhen-2: "Possibly Damaging"; Align-GVGD: "Class C0". The threonine amino acid residue is found in multiple mammalian species, which suggests that this missense change does not adversely affect protein function. This variant has not been reported in the literature in individuals affected with SZT2-related conditions. This variant is not present in population databases (ExAC no frequency).